The following is an entry in ClinVar:

ClinVar aggregate classification (germline): Pathogenic (1 of 4 stars; one submission).

Conditions:
Hereditary breast ovarian cancer syndrome. Also called: Hereditary breast and ovarian cancer; Hereditary breast and/or ovarian cancer syndrome; Hereditary breast and ovarian cancer syndrome (HBOC); Hereditary breast and ovarian cancer syndrome; Breast and ovarian cancer; BRCA1- and BRCA2-Associated Hereditary Breast and Ovarian Cancer. Identifiers: Orphanet 145, MedGen C0677776, MeSH D061325, MONDO:0003582. Disease mechanism: loss of function.

Submission:

Women's Health and Genetics/Laboratory Corporation of America, LabCorp
Classification: Pathogenic for Hereditary breast ovarian cancer syndrome. Last evaluated: 2024-02-21. Review status: criteria provided, single submitter. Criteria: LabCorp Variant Classification Summary - May 2015. Collection method: clinical testing. Allele origin: germline.
Comment: Variant summary: The variant involves the deletion of exons 1-2 in the BRCA1 gene. A presumed nomenclature of c.(?_-114)_(80+1_81-1)del has been designated for the purposes of this classification. The exact breakpoint at the 5' end of this variant is unknown, therefore this deletion may extend upstream of the annotated region of this gene. Although the exact breakpoints of this deletion are not known, it is predicted to remove the initiation codon and result in an absence of protein or a truncation of the encoded protein due to translation initiation at a downstream site. The variant was absent in 120780 control chromosomes in the gnomAD database (Structural Variants v4.0 dataset). Deletion of BRCA1 exons 1-2 has been reported in the literature in several individuals affected with Hereditary Breast And Ovarian Cancer Syndrome (e.g. Hartmann_2004, Engert_2008, van den Ouweland_2009, Veschi_2007, del Valle_2010, Judkins_2012, Evans_2022). These data indicate that the variant is very likely to be associated with disease. To our knowledge, no experimental evidence demonstrating an impact on protein function has been reported. ClinVar contains an entry for this variant (Variation ID: 584147). Based on the evidence outlined above, the variant was classified as pathogenic.

Literature cited by the submitters: PubMed 17591842; PubMed 18431737; PubMed 19894111; PubMed 22544547; PubMed 19405878; PubMed 15532023; PubMed 33758026.

NC_000017.10:g.(41267797_41276033)_(41277382_?)del

Gene: BRCA1 (BRCA1 DNA repair associated; minus strand). Cytogenetic location: 17q21.31.
Variant type: Deletion.
Identifiers: ClinVar variation 3069068 (VCV003069068.1).